The following is an entry in ClinVar:

NM_004713.6(NEMF):c.1915+8C>T

Gene: NEMF (nuclear export mediator factor; minus strand). Cytogenetic location: 14q21.3.
Variant type: single nucleotide variant.
Coding change: c.1915+8C>T on transcript NM_004713.6 (MANE Select); 8 bases into the intron after coding-DNA position 1915, C replaced by T.
Molecular consequence: intron variant.
Genome position (GRCh38, 1-based): chr14:49,803,229, G>A on the plus strand (C>T on the coding strand, the complement: NEMF is on the minus strand). VCF-style: chr14-49803229-G-A. GRCh37 (hg19) VCF-style: chr14-50269947-G-A.
Other names: c.1915+8C>T (NM_004713.5); c.1852+8C>T (NM_001301732.3).
Identifiers: ClinVar variation 3025365 (VCV003025365.24), dbSNP rs142637101, ClinGen allele CA7175112.

ClinVar aggregate classification (germline): Likely benign. Review status: criteria provided, multiple submitters, no conflicts (2 of 4 stars). 3 submissions from 3 submitters: Likely benign (2). 1 of the submissions does not count toward it. Last evaluated 2026-04-01.

Conditions:
NEMF-related disorder. Also called: NEMF-related condition.

Allele frequency attached by ClinVar (database versions not stated): ESP Exome Variant Server 0.00315; 1000 Genomes Project 0.00339; gnomAD 0.00346; TOPMed 0.00385; 1000 Genomes Project 30x 0.00390; gnomAD exomes 0.00037; ExAC 0.00110.
gnomAD v4.1: 1,101 of 1,599,004 alleles (0.069%); highest among the groups gnomAD compares: African/African-American, 1.2%; 7 homozygotes.

Submissions (3):

CeGaT Center for Human Genetics Tuebingen
Classification: Likely benign. Last evaluated: 2026-04-01. Review status: criteria provided, single submitter. Criteria: CeGaT Center For Human Genetics Tuebingen Variant Classification Criteria Version 2. Collection method: clinical testing. Allele origin: germline. Affected: yes. Observed: 4 variant alleles.
Comment: NEMF: BP4, BS1

Blueprint Genetics
Classification: Likely benign. Last evaluated: 2024-11-06. Review status: criteria provided, single submitter. Criteria: ACMG Guidelines, 2015. Collection method: clinical testing. Allele origin: germline.

PreventionGenetics, part of Exact Sciences
Classification: Benign for NEMF-related condition. Last evaluated: 2019-06-06. Review status: no assertion criteria provided. Collection method: clinical testing. Allele origin: germline. Not counted in ClinVar's aggregate classification.
Comment: This variant is classified as benign based on ACMG/AMP sequence variant interpretation guidelines (Richards et al. 2015 PMID: 25741868, with internal and published modifications).